The following is an entry in ClinVar:

NM_014244.5(ADAMTS2):c.1519C>T (p.Arg507Trp)

Gene: ADAMTS2 (ADAM metallopeptidase with thrombospondin type 1 motif 2; minus strand). Cytogenetic location: 5q35.3.
Variant type: single nucleotide variant.
Coding change: c.1519C>T on transcript NM_014244.5 (MANE Select); coding-DNA position 1519, C replaced by T.
Protein change: p.Arg507Trp; replaces arginine 507 with tryptophan.
Molecular consequence: missense variant.
Genome position (GRCh38, 1-based): chr5:179,152,252, G>A on the plus strand (C>T on the coding strand, the complement: ADAMTS2 is on the minus strand). VCF-style: chr5-179152252-G-A. GRCh37 (hg19) VCF-style: chr5-178579253-G-A.
Other names: c.1519C>T, p.Arg507Trp (NM_021599.4); short protein forms R507W.
Identifiers: ClinVar variation 1163454 (VCV001163454.10), dbSNP rs201393333, ClinGen allele CA3595865.

ClinVar aggregate classification (germline): Uncertain significance. Review status: criteria provided, multiple submitters, no conflicts (2 of 4 stars). 4 submissions from 4 submitters: Uncertain significance (4). Last evaluated 2025-10-23.

Conditions:
Inborn genetic diseases. Identifiers: MedGen C0950123, MeSH D030342.
Ehlers-Danlos syndrome, dermatosparaxis type. Also called: Dermatosparaxis; Ehlers-Danlos syndrome, type VII, autosomal recessive; EDS VIIC. Identifiers: Orphanet 1901, MedGen C2700425, MONDO:0009161, OMIM 225410.

Allele frequency attached by ClinVar (database versions not stated): ExAC 0.00005; gnomAD exomes 0.00010 and 0.00004; ESP Exome Variant Server 0.00008; TOPMed 0.00008; gnomAD 0.00004 and 0.00006.
gnomAD v4.1: 164 of 1,613,846 alleles (0.01%); highest among the groups gnomAD compares: East Asian, 0.022%; no homozygotes.

Submissions (4):

Ambry Genetics
Classification: Uncertain significance for Inborn genetic diseases. Last evaluated: 2025-10-23. Review status: criteria provided, single submitter. Criteria: Ambry Variant Classification Scheme 2023. Collection method: clinical testing. Allele origin: germline.

Mayo Clinic Laboratories, Mayo Clinic
Classification: Uncertain significance. Last evaluated: 2025-08-25. Review status: criteria provided, single submitter. Criteria: ACMG Guidelines, 2015. Collection method: clinical testing. Allele origin: germline. Observed: 4 variant alleles.

GeneDx
Classification: Uncertain significance. Last evaluated: 2025-08-18. Review status: criteria provided, single submitter. Criteria: GeneDx Variant Classification Process June 2021. Collection method: clinical testing. Allele origin: germline.
Comment: Not observed at significant frequency in large population cohorts (gnomAD); In silico analysis supports that this missense variant has a deleterious effect on protein structure/function; Has not been previously published as pathogenic or benign to our knowledge

Labcorp Genetics (formerly Invitae), Labcorp
Classification: Uncertain significance for Ehlers-Danlos syndrome, dermatosparaxis type. Last evaluated: 2022-07-19. Review status: criteria provided, single submitter. Criteria: Invitae Variant Classification Sherloc (09022015). Collection method: clinical testing. Allele origin: germline.
Comment: This sequence change replaces arginine, which is basic and polar, with tryptophan, which is neutral and slightly polar, at codon 507 of the ADAMTS2 protein (p.Arg507Trp). This variant is present in population databases (rs201393333, gnomAD 0.006%). This variant has not been reported in the literature in individuals affected with ADAMTS2-related conditions. ClinVar contains an entry for this variant (Variation ID: 1163454). Algorithms developed to predict the effect of missense changes on protein structure and function (SIFT, PolyPhen-2, Align-GVGD) all suggest that this variant is likely to be disruptive. In summary, the available evidence is currently insufficient to determine the role of this variant in disease. Therefore, it has been classified as a Variant of Uncertain Significance.